The following is an entry in ClinVar:

ClinVar aggregate classification (germline): Pathogenic (1 of 4 stars; one submission).

Conditions:
Fanconi anaemia or Bloom syndrome.

gnomAD v4.1: 1 of 1,614,050 alleles (0.000062%); highest among the groups gnomAD compares: Non-Finnish European, 0.000085%; no homozygotes.

Submission:

North West Genomic Laboratory Hub, Manchester University NHS Foundation Trust
Classification: Pathogenic for Fanconi anaemia or Bloom syndrome. Last evaluated: 2025-12-02. Review status: criteria provided, single submitter. Criteria: ACGS Best Practice Guidelines for Variant Classification in Rare Disease 2024. Collection method: clinical testing. Allele origin: germline. Affected: yes.
Comment: PM2_Mod PVS1_VStr

NM_000130.5(F5):c.2599G>T (p.Gly867Ter)

Gene: F5 (coagulation factor V; minus strand). Cytogenetic location: 1q24.2.
Variant type: single nucleotide variant.
Coding change: c.2599G>T on transcript NM_000130.5 (MANE Select); coding-DNA position 2599, G replaced by T.
Protein change: p.Gly867Ter; replaces glycine 867 with a stop codon.
Molecular consequence: nonsense.
Genome position (GRCh38, 1-based): chr1:169,542,491, C>A on the plus strand (G>T on the coding strand, the complement: F5 is on the minus strand). VCF-style: chr1-169542491-C-A. GRCh37 (hg19) VCF-style: chr1-169511729-C-A.
Other names: short protein forms G867*.
Identifiers: ClinVar variation 4852400 (VCV004852400.1).